The following is an entry in ClinVar:

NM_000179.3(MSH6):c.2585T>C (p.Leu862Pro)

Gene: MSH6 (mutS homolog 6; plus strand). Cytogenetic location: 2p16.3.
Variant type: single nucleotide variant.
Coding change: c.2585T>C on transcript NM_000179.3 (MANE Select); coding-DNA position 2585, T replaced by C.
Protein change: p.Leu862Pro; replaces leucine 862 with proline.
Molecular consequence: missense variant.
Genome position (GRCh38, 1-based): chr2:47,800,568, T>C. VCF-style: chr2-47800568-T-C. GRCh37 (hg19) VCF-style: chr2-48027707-T-C.
Other names: c.2195T>C, p.Leu732Pro (NM_001281492.2); c.1679T>C, p.Leu560Pro (NM_001281493.2, NM_001281494.2); short protein forms L732P, L862P, L560P.
Identifiers: ClinVar variation 835189 (VCV000835189.15), dbSNP rs1553413932, ClinGen allele CA346754820.
Genomic context (GRCh38, chr2:47,800,568, plus strand): 5'-CTATAATGTATGAAGAAACTACATACAGCAAGAAGAAGATTATTGATTTTCTTTCTGCTC[T>C]GGAAGGATTCAAAGTAATGTGTAAAATTATAGGGATCATGGAAGAAGTTGCTGATGGTTT-3'
Protein context (NP_000170.1, residues 852-872): KKKIIDFLSA[Leu862Pro]EGFKVMCKII

ClinVar aggregate classification (germline): Uncertain significance. Review status: criteria provided, multiple submitters, no conflicts (2 of 4 stars). 4 submissions from 4 submitters: Uncertain significance (4). Last evaluated 2025-01-07.

Conditions:
Hereditary nonpolyposis colorectal neoplasms. Identifiers: MedGen C0009405, MeSH D003123.
Hereditary cancer-predisposing syndrome. Also called: Hereditary neoplastic syndrome; Neoplastic Syndromes, Hereditary; Tumor predisposition; Hereditary Cancer Syndrome. Identifiers: Orphanet 140162, MedGen C0027672, MeSH D009386, MONDO:0015356.

Submissions (4):

Molecular Diagnostics Laboratory, Catalan Institute of Oncology
Classification: Uncertain significance for Hereditary cancer-predisposing syndrome. Last evaluated: 2025-01-07. Review status: criteria provided, single submitter. Criteria: MMR VCEP Paper Draft V3.1. Collection method: clinical testing. Allele origin: germline.
Comment: PM2_Supporting, PP3_Moderate, PP4 c.2585T>C, located in exon 4 of the MSH6 gene, is predicted to result in the substitution of leucine by proline at codon 862, p.(Leu862Pro). It is not present in the population database gnomAD v2.1.1, non-cancer dataset (PM2_supporting). Computational tools predict a deleterious effect of the variant on protein function (MAPP+PolyPhen-2 prior probability for pathogenicity: 0.96) (PP3). To our knowledge, neither relevant clinical data nor well-established functional studies have been reported for this variant. This variant has been reported in the ClinVar database (3x uncertain significance), and has not been reported in the LOVD nor classified by InSiGHT. Based on currently available information, the variant c.2585T>C should be considered an uncertain significance variant, according to MMR specific InSIGHT Guidelines, Draft v3.1.

Color Diagnostics, LLC DBA Color Health
Classification: Uncertain significance for Hereditary cancer-predisposing syndrome. Last evaluated: 2023-03-28. Review status: criteria provided, single submitter. Criteria: ACMG Guidelines, 2015. Collection method: clinical testing. Allele origin: germline.
Comment: This missense variant replaces leucine with proline at codon 862 of the MSH6 protein. Computational prediction suggests that this variant may have deleterious impact on protein structure and function (internally defined REVEL score threshold >= 0.7, PMID: 27666373). To our knowledge, functional studies have not been reported for this variant. This variant has not been reported in individuals affected with MSH6-related disorders in the literature. This variant has not been identified in the general population by the Genome Aggregation Database (gnomAD). The available evidence is insufficient to determine the role of this variant in disease conclusively. Therefore, this variant is classified as a Variant of Uncertain Significance.

Labcorp Genetics (formerly Invitae), Labcorp
Classification: Uncertain significance for Hereditary nonpolyposis colorectal neoplasms. Last evaluated: 2019-02-20. Review status: criteria provided, single submitter. Criteria: Invitae Variant Classification Sherloc (09022015). Collection method: clinical testing. Allele origin: germline.
Comment: This sequence change replaces leucine with proline at codon 862 of the MSH6 protein (p.Leu862Pro). The leucine residue is highly conserved and there is a moderate physicochemical difference between leucine and proline. This variant is not present in population databases (ExAC no frequency). This variant has not been reported in the literature in individuals with MSH6-related conditions. Algorithms developed to predict the effect of missense changes on protein structure and function (SIFT, PolyPhen-2, Align-GVGD) all suggest that this variant is likely to be disruptive, but these predictions have not been confirmed by published functional studies and their clinical significance is uncertain. In summary, the available evidence is currently insufficient to determine the role of this variant in disease. Therefore, it has been classified as a Variant of Uncertain Significance.

Ambry Genetics
Classification: Uncertain significance for Hereditary cancer-predisposing syndrome. Last evaluated: 2017-06-07. Review status: criteria provided, single submitter. Criteria: Ambry Variant Classification Scheme 2023. Collection method: clinical testing. Allele origin: germline.
Comment: The p.L862P variant (also known as c.2585T>C), located in coding exon 4 of the MSH6 gene, results from a T to C substitution at nucleotide position 2585. The leucine at codon 862 is replaced by proline, an amino acid with similar properties. This amino acid position is highly conserved in available vertebrate species. In addition, this alteration is predicted to be deleterious by in silico analysis. In addition, the CoDP in silico tool predicts this alteration to likely impair molecular function, with a score of 0.960 (Terui H et al. J. Biomed. Sci. 2013 Apr;20:25). Since supporting evidence is limited at this time, the clinical significance of this alteration remains unclear.